The following is an entry in ClinVar:

ClinVar aggregate classification (germline): Uncertain significance. Review status: criteria provided, multiple submitters, no conflicts (2 of 4 stars). 2 submissions from 2 submitters: Uncertain significance (2). Last evaluated 2025-11-20.

Conditions:
Inborn genetic diseases. Identifiers: MedGen C0950123, MeSH D030342.

Allele frequency attached by ClinVar (database versions not stated): gnomAD exomes below 0.00001; gnomAD 0.00001; TOPMed 0.00001.
gnomAD v4.1: 3 of 1,614,064 alleles (0.00019%); highest among the groups gnomAD compares: African/African-American, 0.004%; no homozygotes.

Submissions (2):

Ambry Genetics
Classification: Uncertain significance for Inborn genetic diseases. Last evaluated: 2025-11-20. Review status: criteria provided, single submitter. Criteria: Ambry Variant Classification Scheme 2023. Collection method: clinical testing. Allele origin: germline.

Labcorp Genetics (formerly Invitae), Labcorp
Classification: Uncertain significance. Last evaluated: 2023-07-03. Review status: criteria provided, single submitter. Criteria: Invitae Variant Classification Sherloc (09022015). Collection method: clinical testing. Allele origin: germline.
Comment: This sequence change replaces threonine, which is neutral and polar, with serine, which is neutral and polar, at codon 186 of the TRPM1 protein (p.Thr186Ser). This variant is present in population databases (no rsID available, gnomAD 0.007%). This variant has not been reported in the literature in individuals affected with TRPM1-related conditions. ClinVar contains an entry for this variant (Variation ID: 961934). Advanced modeling of protein sequence and biophysical properties (such as structural, functional, and spatial information, amino acid conservation, physicochemical variation, residue mobility, and thermodynamic stability) performed at Invitae indicates that this missense variant is not expected to disrupt TRPM1 protein function. In summary, the available evidence is currently insufficient to determine the role of this variant in disease. Therefore, it has been classified as a Variant of Uncertain Significance.

NM_001252024.2(TRPM1):c.622A>T (p.Thr208Ser)

Gene: TRPM1 (transient receptor potential cation channel subfamily M member 1; minus strand). Cytogenetic location: 15q13.3.
Variant type: single nucleotide variant.
Coding change: c.622A>T on transcript NM_001252024.2 (MANE Select); coding-DNA position 622, A replaced by T.
Protein change: p.Thr208Ser; replaces threonine 208 with serine.
Molecular consequence: missense variant.
Genome position (GRCh38, 1-based): chr15:31,066,244, T>A on the plus strand (A>T on the coding strand, the complement: TRPM1 is on the minus strand). VCF-style: chr15-31066244-T-A. GRCh37 (hg19) VCF-style: chr15-31358447-T-A.
Other names: c.673A>T, p.Thr225Ser (NM_001252020.2); c.556A>T, p.Thr186Ser (NM_002420.6); c.556A>T (NM_002420.4); short protein forms T225S, T186S, T208S.
Identifiers: ClinVar variation 961934 (VCV000961934.10), dbSNP rs1198344452, ClinGen allele CA391532585.
Genomic context (GRCh38, chr15:31,066,244, plus strand): 5'-GGGAGTTGTTGAGCACAGAGAGCTTACTTAGAGGGTTGGACATGGTCTGGTACACTCTTG[T>A]TACCTGACAAAGTGCACAGCGCAAATCAGACCTGCAGGACTTGGATGTTAAGACCAACAA-3'
Protein context (NP_001238953.1, residues 198-218): NKEDLVGKDV[Thr208Ser]RVYQTMSNPL